The following is an entry in ClinVar:

NM_001114753.3(ENG):c.1024C>T (p.Gln342Ter)

Gene: ENG (endoglin; minus strand). Cytogenetic location: 9q34.11.
Variant type: single nucleotide variant.
Coding change: c.1024C>T on transcript NM_001114753.3 (MANE Select); coding-DNA position 1024, C replaced by T.
Protein change: p.Gln342Ter; replaces glutamine 342 with a stop codon.
Molecular consequence: nonsense.
Genome position (GRCh38, 1-based): chr9:127,824,414, G>A on the plus strand (C>T on the coding strand, the complement: ENG is on the minus strand). VCF-style: chr9-127824414-G-A. GRCh37 (hg19) VCF-style: chr9-130586693-G-A.
Other names: c.1024C>T, p.Gln342Ter (NM_000118.4, NM_001406715.1); c.478C>T, p.Gln160Ter (NM_001278138.2); short protein forms Q342*, Q160*.
Identifiers: ClinVar variation 528057 (VCV000528057.8), dbSNP rs774429348, ClinGen allele CA374981709.
Genomic context (GRCh38, chr9:127,824,414, plus strand): 5'-TTGTCTGGATCAAGGACATGAGCAGCTCCGGGCTACAAGTGTCCTTGGGAGGAGTGGTCT[G>A]GATCGGTGCGGGTGAGGTCTGCAGCCTACCACCTGTGGGGTAGCAGAGGCAGGCCAGGCG-3'

ClinVar aggregate classification (germline): Pathogenic (1 of 4 stars; one submission).

Conditions:
Hereditary hemorrhagic telangiectasia (HHT). Also called: Osler hemorrhagic telangiectasia syndrome; ORW DISEASE; Osler Weber Rendu syndrome; OSLER-RENDU-WEBER DISEASE. Identifiers: Orphanet 774, MedGen C0039445, MONDO:0019180. Disease mechanism: loss of function.

Submission:

Labcorp Genetics (formerly Invitae), Labcorp
Classification: Pathogenic for Hereditary hemorrhagic telangiectasia. Last evaluated: 2024-05-31. Review status: criteria provided, single submitter. Criteria: Invitae Variant Classification Sherloc (09022015). Collection method: clinical testing. Allele origin: germline.
Comment: This sequence change creates a premature translational stop signal (p.Gln342*) in the ENG gene. It is expected to result in an absent or disrupted protein product. Loss-of-function variants in ENG are known to be pathogenic (PMID: 15879500). This variant is not present in population databases (gnomAD no frequency). This premature translational stop signal has been observed in individual(s) with hereditary hemorrhagic telangiectasia (PMID: 32503579). ClinVar contains an entry for this variant (Variation ID: 528057). For these reasons, this variant has been classified as Pathogenic.

Literature cited by the submitters: PubMed 15879500; PubMed 32503579.